The following is an entry in ClinVar:

NM_005334.3(HCFC1):c.1753G>A (p.Gly585Ser)

Gene: HCFC1 (host cell factor C1; minus strand). Cytogenetic location: Xq28.
Variant type: single nucleotide variant.
Coding change: c.1753G>A on transcript NM_005334.3 (MANE Select); coding-DNA position 1753, G replaced by A.
Protein change: p.Gly585Ser; replaces glycine 585 with serine.
Molecular consequence: missense variant.
Genome position (GRCh38, 1-based): chrX:153,958,619, C>T on the plus strand (G>A on the coding strand, the complement: HCFC1 is on the minus strand). VCF-style: chrX-153958619-C-T. GRCh37 (hg19) VCF-style: chrX-153224070-C-T.
Other names: c.1753G>A, p.Gly585Ser (NM_001410705.1); short protein forms G585S.
Identifiers: ClinVar variation 3364955 (VCV003364955.1).

ClinVar aggregate classification (germline): Uncertain significance (1 of 4 stars; one submission).

Submission:

GeneDx
Classification: Uncertain significance. Last evaluated: 2023-12-06. Review status: criteria provided, single submitter. Criteria: GeneDx Variant Classification Process June 2021. Collection method: clinical testing. Allele origin: germline. Affected: yes.
Comment: Not observed at significant frequency in large population cohorts (gnomAD); In silico analysis supports that this missense variant has a deleterious effect on protein structure/function; Has not been previously published as pathogenic or benign to our knowledge